The following is an entry in ClinVar:

NM_001267550.2(TTN):c.91521G>A (p.Pro30507=)

Genes: TTN (titin; minus strand), TTN-AS1 (TTN antisense RNA 1; plus strand). Cytogenetic location: 2q31.2.
Variant type: single nucleotide variant.
Coding change: c.91521G>A on transcript NM_001267550.2 (MANE Select); coding-DNA position 91521, G replaced by A.
Protein change: p.Pro30507=; no amino-acid change (proline 30507 retained).
Molecular consequence: synonymous variant.
Genome position (GRCh38, 1-based): chr2:178,551,010, C>T on the plus strand (G>A on the coding strand, the complement: TTN is on the minus strand). VCF-style: chr2-178551010-C-T. GRCh37 (hg19) VCF-style: chr2-179415737-C-T.
Other names: c.86598G>A, p.Pro28866= (NM_001256850.1); c.64326G>A, p.Pro21442= (NM_003319.4); c.83817G>A, p.Pro27939= (NM_133378.4); c.64701G>A, p.Pro21567= (NM_133432.3); c.64902G>A, p.Pro21634= (NM_133437.4).
Identifiers: ClinVar variation 808921 (VCV000808921.52), dbSNP rs770698629, ClinGen allele CA1987620.
Genomic context (GRCh38, chr2:178,551,010, plus strand): 5'-AAGTTGTAAATGCTTACCATTTTCATCTCTTGTCATAATAATGCCAGAAGACTGTGAGGG[C>T]GGGCTTATAGTTCCAACAGCATTTCTTGCAATTATTCTGAACTCATAGCGATCCCCAGGA-3'
Protein context (NP_001254479.2, residues 30497-30517): IARNAVGTIS[Pro30507=]PSQSSGIIMT

ClinVar aggregate classification (germline): Likely benign. Review status: criteria provided, multiple submitters, no conflicts (2 of 4 stars). 4 submissions from 4 submitters: Likely benign (4). Last evaluated 2026-05-08.

Conditions:
TTN-related disorder. Also called: TTN-related disorders; TTN-related condition; TTN-related disease.
Dilated cardiomyopathy 1G (CMD1G). Identifiers: Orphanet 154, MedGen C1858763, MONDO:0011400, OMIM 604145.
Autosomal recessive limb-girdle muscular dystrophy type 2J (LGMDR10). Also called: Limb-girdle muscular dystrophy, type 2J; MUSCULAR DYSTROPHY, LIMB-GIRDLE, AUTOSOMAL RECESSIVE 10. Identifiers: Orphanet 140922, MedGen C1837342, MONDO:0012127, OMIM 608807.
Cardiovascular phenotype. Identifiers: MedGen CN230736.

Allele frequency attached by ClinVar (database versions not stated): gnomAD 0.00001; gnomAD exomes 0.00002 and 0.00006; TOPMed 0.00002; ExAC 0.00004.
gnomAD v4.1: 27 of 1,613,166 alleles (0.0017%); highest among the groups gnomAD compares: South Asian, 0.012%; no homozygotes.

Submissions (4):

PreventionGenetics, part of Exact Sciences
Classification: Likely benign for TTN-related condition. Last evaluated: 2026-05-08. Review status: criteria provided, single submitter. Criteria: ACMG Guidelines, 2015. Collection method: clinical testing. Allele origin: germline.
Comment: This variant is classified as likely benign based on ACMG/AMP sequence variant interpretation guidelines (Richards et al. 2015 PMID: 25741868, with internal and published modifications).

Labcorp Genetics (formerly Invitae), Labcorp
Classification: Likely benign for Dilated cardiomyopathy 1G; Autosomal recessive limb-girdle muscular dystrophy type 2J. Last evaluated: 2025-12-02. Review status: criteria provided, single submitter. Criteria: Invitae Variant Classification Sherloc (09022015). Collection method: clinical testing. Allele origin: germline.

Ambry Genetics
Classification: Likely benign for Cardiovascular phenotype. Last evaluated: 2023-03-23. Review status: criteria provided, single submitter. Criteria: Ambry Variant Classification Scheme 2023. Collection method: clinical testing. Allele origin: germline.

CeGaT Center for Human Genetics Tuebingen
Classification: Likely benign. Last evaluated: 2019-04-01. Review status: criteria provided, single submitter. Criteria: CeGaT Center For Human Genetics Tuebingen Variant Classification Criteria Version 2. Collection method: clinical testing. Allele origin: germline. Affected: yes. Observed: 1 variant allele.